The following is an entry in ClinVar:

ClinVar aggregate classification (germline): Uncertain significance (1 of 4 stars; one submission).

gnomAD v4.1: 15 of 1,614,140 alleles (0.00093%); highest among the groups gnomAD compares: Non-Finnish European, 0.0013%; no homozygotes.

Submission:

Labcorp Genetics (formerly Invitae), Labcorp
Classification: Uncertain significance. Last evaluated: 2023-11-19. Review status: criteria provided, single submitter. Criteria: Invitae Variant Classification Sherloc (09022015). Collection method: clinical testing. Allele origin: germline.
Comment: This sequence change replaces threonine, which is neutral and polar, with isoleucine, which is neutral and non-polar, at codon 5137 of the HMCN1 protein (p.Thr5137Ile). This variant is present in population databases (no rsID available, gnomAD 0.0009%). This variant has not been reported in the literature in individuals affected with HMCN1-related conditions. An algorithm developed to predict the effect of missense changes on protein structure and function (PolyPhen-2) suggests that this variant is likely to be tolerated. In summary, the available evidence is currently insufficient to determine the role of this variant in disease. Therefore, it has been classified as a Variant of Uncertain Significance.

NM_031935.3(HMCN1):c.15410C>T (p.Thr5137Ile)

Gene: HMCN1 (hemicentin 1; plus strand). Cytogenetic location: 1q31.1.
Variant type: single nucleotide variant.
Coding change: c.15410C>T on transcript NM_031935.3 (MANE Select); coding-DNA position 15410, C replaced by T.
Protein change: p.Thr5137Ile; replaces threonine 5137 with isoleucine.
Molecular consequence: missense variant.
Genome position (GRCh38, 1-based): chr1:186,166,274, C>T. VCF-style: chr1-186166274-C-T. GRCh37 (hg19) VCF-style: chr1-186135406-C-T.
Other names: short protein forms T5137I.
Identifiers: ClinVar variation 2880932 (VCV002880932.3), dbSNP rs779818126, ClinGen allele CA343929325.